The following is an entry in ClinVar:

ClinVar aggregate classification (germline): Uncertain significance. Review status: criteria provided, multiple submitters, no conflicts (2 of 4 stars). 5 submissions from 5 submitters: Uncertain significance (5). Last evaluated 2026-01-18.

Conditions:
Hereditary cancer-predisposing syndrome. Also called: Hereditary Cancer Syndrome; Tumor predisposition; Neoplastic Syndromes, Hereditary; Hereditary neoplastic syndrome. Identifiers: Orphanet 140162, MedGen C0027672, MeSH D009386, MONDO:0015356.
Pheochromocytoma. Also called: MAX-Related Hereditary Paraganglioma-Pheochromocytoma Syndrome. Identifiers: Orphanet 29072, MedGen C0031511, MONDO:0008233, OMIM 171300, HP:0002666.
Pheochromocytoma/paraganglioma syndrome 4. Also called: PARAGANGLIOMA, FAMILIAL MALIGNANT; PARAGANGLIOMAS, HEREDITARY EXTRAADRENAL; PHEOCHROMOCYTOMA, FAMILIAL EXTRAADRENAL; SDHB-Related Hereditary Paraganglioma-Pheochromocytoma Syndrome (Paragangliomas 4); CAROTID BODY TUMORS AND MULTIPLE EXTRAADRENAL PHEOCHROMOCYTOMAS; SDHB-Related Hereditary Paraganglioma-Pheochromocytoma Syndrome. Identifiers: Orphanet 29072, MedGen C1861848, MONDO:0007273, OMIM 115310.
Gastrointestinal stromal tumor. Also called: Gastrointestinal stromal tumor, somatic; Gastrointestinal stroma tumor. Identifiers: Orphanet 44890, MedGen C0238198, MeSH D046152, MONDO:0011719, OMIM 606764, HP:0100723.
Hereditary pheochromocytoma and paraganglioma. Also called: Hereditary paragangliomas and pheochromocytomas; Hereditary Paraganglioma-Pheochromocytoma Syndromes; Hereditary pheochromocytoma-paraganglioma. Identifiers: Orphanet 29072, MedGen C4274332, MONDO:0017366.

Allele frequency attached by ClinVar (database versions not stated): TOPMed 0.00003.
gnomAD v4.1: 5 of 1,613,050 alleles (0.00031%); highest among the groups gnomAD compares: African/African-American, 0.004%; no homozygotes.

Submissions (5):

Labcorp Genetics (formerly Invitae), Labcorp
Classification: Uncertain significance for Gastrointestinal stromal tumor; Pheochromocytoma/paraganglioma syndrome 4; Pheochromocytoma. Last evaluated: 2026-01-18. Review status: criteria provided, single submitter. Criteria: Invitae Variant Classification Sherloc (09022015). Collection method: clinical testing. Allele origin: germline.
Comment: This sequence change replaces alanine, which is neutral and non-polar, with threonine, which is neutral and polar, at codon 25 of the SDHB protein (p.Ala25Thr). This variant is present in population databases (rs768101924, gnomAD 0.007%). This variant has not been reported in the literature in individuals affected with SDHB-related conditions. ClinVar contains an entry for this variant (Variation ID: 643657). An algorithm developed to predict the effect of missense changes on protein structure and function outputs the following: PolyPhen-2: "Benign". The threonine amino acid residue is found in multiple mammalian species, which suggests that this missense change does not adversely affect protein function. In summary, the available evidence is currently insufficient to determine the role of this variant in disease. Therefore, it has been classified as a Variant of Uncertain Significance.

Ambry Genetics
Classification: Uncertain significance for Hereditary cancer-predisposing syndrome. Last evaluated: 2024-01-31. Review status: criteria provided, single submitter. Criteria: Ambry Variant Classification Scheme 2023. Collection method: clinical testing. Allele origin: germline.
Comment: The p.A25T variant (also known as c.73G>A) is located in coding exon 2 of the SDHB gene. The alanine at codon 25 is replaced by threonine, an amino acid with similar properties. This change occurs in the first base pair of coding exon 2. This amino acid position is well conserved in available vertebrate species. In addition, the in silico prediction for this alteration is inconclusive. Based on the available evidence, the clinical significance of this alteration remains unclear.

All of Us Research Program, National Institutes of Health
Classification: Uncertain significance for Hereditary pheochromocytoma and paraganglioma. Last evaluated: 2023-12-13. Review status: criteria provided, single submitter. Criteria: ACMG Guidelines, 2015. Collection method: clinical testing. Allele origin: germline. Inheritance: Autosomal dominant inheritance. Observed: 2 variant alleles, 2 heterozygotes.
Comment: This missense variant replaces alanine with threonine at codon 25 of the SDHB protein. Computational prediction is inconclusive regarding the impact of this variant on protein structure and function (internally defined REVEL score threshold 0.5 < inconclusive < 0.7, PMID: 27666373). To our knowledge, functional studies have not been reported for this variant. This variant has not been reported in individuals affected with SDHB-related disorders in the literature. This variant has been identified in 2/249888 chromosomes in the general population by the Genome Aggregation Database (gnomAD). The available evidence is insufficient to determine the role of this variant in disease conclusively. Therefore, this variant is classified as a Variant of Uncertain Significance.

This study involves interpretation of variants in research participants for the purpose of population health screening. Participant phenotype was not available at the time of variant classification. Additional details can be found in publication PMID: 35346344, PMCID: PMC8962531

Color Diagnostics, LLC DBA Color Health
Classification: Uncertain significance for Hereditary pheochromocytoma and paraganglioma. Last evaluated: 2023-11-08. Review status: criteria provided, single submitter. Criteria: ACMG Guidelines, 2015. Collection method: clinical testing. Allele origin: germline.
Comment: This missense variant replaces alanine with threonine at codon 25 of the SDHB protein. Computational prediction is inconclusive regarding the impact of this variant on protein structure and function. To our knowledge, functional studies have not been reported for this variant. This variant has not been reported in individuals affected with SDHB-related disorders in the literature. This variant has been identified in 2/249888 chromosomes in the general population by the Genome Aggregation Database (gnomAD). The available evidence is insufficient to determine the role of this variant in disease conclusively. Therefore, this variant is classified as a Variant of Uncertain Significance.

GeneDx
Classification: Uncertain significance. Last evaluated: 2023-07-17. Review status: criteria provided, single submitter. Criteria: GeneDx Variant Classification Process June 2021. Collection method: clinical testing. Allele origin: germline. Affected: yes.
Comment: Not observed at significant frequency in large population cohorts (gnomAD); In silico analysis supports that this missense variant does not alter protein structure/function; Has not been previously published as pathogenic or benign to our knowledge; This variant is associated with the following publications: (PMID: 32277576)

NM_003000.3(SDHB):c.73G>A (p.Ala25Thr)

Gene: SDHB (succinate dehydrogenase complex iron sulfur subunit B; minus strand). Cytogenetic location: 1p36.13.
Variant type: single nucleotide variant.
Coding change: c.73G>A on transcript NM_003000.3 (MANE Select); coding-DNA position 73, G replaced by A.
Protein change: p.Ala25Thr; replaces alanine 25 with threonine.
Molecular consequence: missense variant.
Genome position (GRCh38, 1-based): chr1:17,044,888, C>T on the plus strand (G>A on the coding strand, the complement: SDHB is on the minus strand). VCF-style: chr1-17044888-C-T. GRCh37 (hg19) VCF-style: chr1-17371383-C-T.
Other names: short protein forms A25T.
Identifiers: ClinVar variation 643657 (VCV000643657.15), dbSNP rs768101924, ClinGen allele CA089743.